The following is an entry in ClinVar:

NM_001394062.1(MACF1):c.19195G>A (p.Asp6399Asn)

Gene: MACF1 (microtubule actin crosslinking factor 1; plus strand). Cytogenetic location: 1p34.3.
Variant type: single nucleotide variant.
Coding change: c.19195G>A on transcript NM_001394062.1 (MANE Select); coding-DNA position 19195, G replaced by A.
Protein change: p.Asp6399Asn; replaces aspartic acid 6399 with asparagine.
Molecular consequence: missense variant.
Genome position (GRCh38, 1-based): chr1:39,442,804, G>A. VCF-style: chr1-39442804-G-A. GRCh37 (hg19) VCF-style: chr1-39908476-G-A.
Other names: c.7273G>A, p.Asp2425Asn (NM_001397473.1); c.13018G>A, p.Asp4340Asn (NM_012090.5); short protein forms D2425N, D4340N, D6399N.
Identifiers: ClinVar variation 3764214 (VCV003764214.1).

ClinVar aggregate classification (germline): Uncertain significance (1 of 4 stars; one submission).

Submission:

GeneDx
Classification: Uncertain significance. Last evaluated: 2024-08-19. Review status: criteria provided, single submitter. Criteria: GeneDx Variant Classification Process June 2021. Collection method: clinical testing. Allele origin: germline. Affected: yes.
Comment: Not observed at significant frequency in large population cohorts (gnomAD); In silico analysis supports that this missense variant has a deleterious effect on protein structure/function; Has not been previously published as pathogenic or benign to our knowledge